The following is an entry in ClinVar:

ClinVar aggregate classification (germline): Uncertain significance (1 of 4 stars; one submission).

Conditions:
Complement component 3 deficiency. Identifiers: Orphanet 280133, MedGen C3151071, MONDO:0013417, OMIM 613779.
Atypical hemolytic-uremic syndrome with C3 anomaly. Also called: AHUS, SUSCEPTIBILITY TO, 5. Identifiers: Orphanet 2134, MedGen C2752037, MONDO:0013043, OMIM 612925.
Age related macular degeneration 9. Identifiers: MedGen C1969651, MONDO:0012659, OMIM 611378.

Submission:

Juno Genomics, Hangzhou Juno Genomics, Inc
Classification: Uncertain significance for Atypical hemolytic-uremic syndrome with C3 anomaly; Age related macular degeneration 9; Complement component 3 deficiency. Review status: criteria provided, single submitter. Criteria: ACMG Guidelines, 2015. Collection method: clinical testing. Allele origin: germline.
Comment: Null variant in a gene where loss of function (LOF) is a known mechanism of disease.;Absent from controls (or at extremely low frequency if recessive) in Genome Aggregation Database.

NM_000064.4(C3):c.3811-1G>T

Gene: C3 (complement C3; minus strand). Cytogenetic location: 19p13.3.
Variant type: single nucleotide variant.
Coding change: c.3811-1G>T on transcript NM_000064.4 (MANE Select); the canonical splice acceptor site of the intron before coding-DNA position 3811, G replaced by T.
Molecular consequence: splice acceptor variant.
Genome position (GRCh38, 1-based): chr19:6,685,147, C>A on the plus strand (G>T on the coding strand, the complement: C3 is on the minus strand). VCF-style: chr19-6685147-C-A. GRCh37 (hg19) VCF-style: chr19-6685158-C-A.
Identifiers: ClinVar variation 5006040 (VCV005006040.2).